The following is an entry in ClinVar:

NM_001378454.1(ALMS1):c.12126G>A (p.Gln4042=)

Genes: ALMS1 (ALMS1 centrosome and basal body associated protein; plus strand), LOC126806252 (BRD4-independent group 4 enhancer GRCh37_chr2:73828496-73829695; plus strand). Cytogenetic location: 2p13.1.
Variant type: single nucleotide variant.
Coding change: c.12126G>A on transcript NM_001378454.1 (MANE Select); coding-DNA position 12126, G replaced by A.
Protein change: p.Gln4042=; no amino-acid change (glutamine 4042 retained).
Molecular consequence: synonymous variant.
Genome position (GRCh38, 1-based): chr2:73,602,196, G>A. VCF-style: chr2-73602196-G-A. GRCh37 (hg19) VCF-style: chr2-73829323-G-A.
Other names: c.12129G>A, p.Gln4043= (NM_015120.4).
Identifiers: ClinVar variation 510676 (VCV000510676.11), dbSNP rs763332177, ClinGen allele CA50337843.

ClinVar aggregate classification (germline): Likely benign. Review status: criteria provided, multiple submitters, no conflicts (2 of 4 stars). 3 submissions from 3 submitters: Likely benign (3). Last evaluated 2025-03-31.

Conditions:
Cardiovascular phenotype. Identifiers: MedGen CN230736.
Alstrom syndrome (ALMS). Identifiers: Orphanet 64, MedGen C0268425, MONDO:0008763, OMIM 203800.

Allele frequency attached by ClinVar (database versions not stated): TOPMed below 0.00001; gnomAD 0.00001 and 0.00002; gnomAD exomes 0.00002.
gnomAD v4.1: 32 of 1,613,806 alleles (0.002%); highest among the groups gnomAD compares: Non-Finnish European, 0.0025%; no homozygotes.

Submissions (3):

Labcorp Genetics (formerly Invitae), Labcorp
Classification: Likely benign for Alstrom syndrome. Last evaluated: 2025-03-31. Review status: criteria provided, single submitter. Criteria: Invitae Variant Classification Sherloc (09022015). Collection method: clinical testing. Allele origin: germline.

Ambry Genetics
Classification: Likely benign for Cardiovascular phenotype. Last evaluated: 2021-06-09. Review status: criteria provided, single submitter. Criteria: Ambry Variant Classification Scheme 2023. Collection method: clinical testing. Allele origin: germline.

GeneDx
Classification: Likely benign. Last evaluated: 2017-07-12. Review status: criteria provided, single submitter. Criteria: GeneDx Variant Classification (06012015). Collection method: clinical testing. Allele origin: germline. Affected: yes.
Comment: This variant is considered likely benign or benign based on one or more of the following criteria: it is a conservative change, it occurs at a poorly conserved position in the protein, it is predicted to be benign by multiple in silico algorithms, and/or has population frequency not consistent with disease.